The following is an entry in ClinVar:

ClinVar aggregate classification (germline): Uncertain significance (1 of 4 stars; one submission).

Conditions:
Leukocyte adhesion deficiency 1 (LAD1). Also called: LEUKOCYTE ADHESION DEFICIENCY, TYPE I; LAD 1; Lymphocyte function-associated antigen 1 immunodeficiency; LFA 1 immunodeficiency. Identifiers: Orphanet 2968, Orphanet 99842, MedGen C0398738, MONDO:0007293, OMIM 116920.

Allele frequency attached by ClinVar (database versions not stated): ExAC 0.00002; gnomAD exomes 0.00002.
gnomAD v4.1: 35 of 1,613,680 alleles (0.0022%); highest among the groups gnomAD compares: South Asian, 0.0066%; 1 homozygote.

Submission:

Labcorp Genetics (formerly Invitae), Labcorp
Classification: Uncertain significance for Leukocyte adhesion deficiency 1. Last evaluated: 2021-05-27. Review status: criteria provided, single submitter. Criteria: Invitae Variant Classification Sherloc (09022015). Collection method: clinical testing. Allele origin: germline.
Comment: This sequence change replaces proline with leucine at codon 408 of the ITGB2 protein (p.Pro408Leu). The proline residue is highly conserved and there is a moderate physicochemical difference between proline and leucine. This variant is present in population databases (rs763860990, ExAC 0.009%). This variant has not been reported in the literature in individuals with ITGB2-related conditions. Algorithms developed to predict the effect of missense changes on protein structure and function (SIFT, PolyPhen-2, Align-GVGD) all suggest that this variant is likely to be disruptive, but these predictions have not been confirmed by published functional studies and their clinical significance is uncertain. In summary, the available evidence is currently insufficient to determine the role of this variant in disease. Therefore, it has been classified as a Variant of Uncertain Significance.

NM_000211.5(ITGB2):c.1223C>T (p.Pro408Leu)

Gene: ITGB2 (integrin subunit beta 2; minus strand). Cytogenetic location: 21q22.3.
Variant type: single nucleotide variant.
Coding change: c.1223C>T on transcript NM_000211.5 (MANE Select); coding-DNA position 1223, C replaced by T.
Protein change: p.Pro408Leu; replaces proline 408 with leucine.
Molecular consequence: missense variant.
Genome position (GRCh38, 1-based): chr21:44,893,405, G>A on the plus strand (C>T on the coding strand, the complement: ITGB2 is on the minus strand). VCF-style: chr21-44893405-G-A. GRCh37 (hg19) VCF-style: chr21-46313320-G-A.
Other names: c.1223C>T, p.Pro408Leu (NM_001127491.3); c.1016C>T, p.Pro339Leu (NM_001303238.2); short protein forms P408L, P339L.
Identifiers: ClinVar variation 1424873 (VCV001424873.7), dbSNP rs763860990, ClinGen allele CA10062895.
Genomic context (GRCh38, chr21:44,893,405, plus strand): 5'-CTGGCTGTCCCCAGAGCCCCTCAGCAAGCTGGGATGGGGACCCTTGTGGCCAGGCTCACC[G>A]GGACATTGATCTGCACGCCATCACAGTCACCTCTGGGCTGGTTCCTGTGCGTCACTCCAT-3'
Protein context (NP_000202.3, residues 398-418): GDCDGVQINV[Pro408Leu]ITFQVKVTAT